The following is an entry in ClinVar:

ClinVar aggregate classification (germline): Uncertain significance (1 of 4 stars; one submission).

Allele frequency attached by ClinVar (database versions not stated): gnomAD exomes below 0.00001; gnomAD 0.00001.
gnomAD v4.1: 6 of 1,583,312 alleles (0.00038%); highest among the groups gnomAD compares: African/African-American, 0.0081%; no homozygotes.

Submission:

Labcorp Genetics (formerly Invitae), Labcorp
Classification: Uncertain significance. Last evaluated: 2024-02-25. Review status: criteria provided, single submitter. Criteria: Invitae Variant Classification Sherloc (09022015). Collection method: clinical testing. Allele origin: germline.
Comment: This sequence change replaces serine, which is neutral and polar, with phenylalanine, which is neutral and non-polar, at codon 11 of the MYH7B protein (p.Ser11Phe). This variant is not present in population databases (gnomAD no frequency). This variant has not been reported in the literature in individuals affected with MYH7B-related conditions. An algorithm developed to predict the effect of missense changes on protein structure and function (PolyPhen-2) suggests that this variant is likely to be tolerated. In summary, the available evidence is currently insufficient to determine the role of this variant in disease. Therefore, it has been classified as a Variant of Uncertain Significance.

NM_020884.7(MYH7B):c.-95C>T

Gene: MYH7B (myosin heavy chain 7B; plus strand). Cytogenetic location: 20q11.22.
Variant type: single nucleotide variant.
Coding change: c.-95C>T on transcript NM_020884.7 (MANE Select); 95 bases upstream of the start codon, C replaced by T.
Molecular consequence: 5 prime UTR variant.
Genome position (GRCh38, 1-based): chr20:34,977,658, C>T. VCF-style: chr20-34977658-C-T. GRCh37 (hg19) VCF-style: chr20-33565461-C-T.
Identifiers: ClinVar variation 2914560 (VCV002914560.3), dbSNP rs868124121, ClinGen allele CA313462205.